The following is an entry in ClinVar:

ClinVar aggregate classification (germline): Likely pathogenic (1 of 4 stars; one submission).

Conditions:
Marinesco-Sjögren syndrome (MSS). Also called: Marinesco-Sjogren Syndrome; Marinesco-SjÃ¶gren syndrome. Identifiers: Orphanet 559, MedGen C0024814, MONDO:0009567, OMIM 248800.

Submission:

Laboratory of Molecular Genetics, Federal State Budgetary Educational Institution of Higher Education, Saint Petersburg State Pediatric Medical University of the Ministry of Health of the Russian Federation
Classification: Likely pathogenic for Marinesco-Sjögren syndrome. Last evaluated: 2025-09-25. Review status: criteria provided, single submitter. Criteria: ACMG Guidelines, 2015. Collection method: clinical testing. Allele origin: unknown. Inheritance: Autosomal recessive inheritance. Affected: yes. Observed: 1 homozygote.
Comment: The SIL1 c.178G>T (p.Glu60Ter) variant is classified as Likely Pathogenic (LP) based on ACMG/AMP criteria. This variant is extremely rare in population databases (PM2_Supporting) and was identified in the homozygous state in the patient with clinical features consistent with Marinesco-Sjögren syndrome (PP4). The variant affects a gene where loss of function is a known mechanism of disease (PVS1). Previous studies have reported this variant in patients with Marinesco-Sjögren syndrome (PMID: 24176978; PMID: 20111056). In summary, the available genetic and clinical evidence supports classification of this variant as Likely Pathogenic.

NM_022464.5(SIL1):c.178G>T (p.Glu60Ter)

Gene: SIL1 (SIL1 nucleotide exchange factor; minus strand). Cytogenetic location: 5q31.2.
Variant type: single nucleotide variant.
Coding change: c.178G>T on transcript NM_022464.5 (MANE Select); coding-DNA position 178, G replaced by T.
Protein change: p.Glu60Ter; replaces glutamic acid 60 with a stop codon.
Molecular consequence: nonsense.
Genome position (GRCh38, 1-based): chr5:139,121,101, C>A on the plus strand (G>T on the coding strand, the complement: SIL1 is on the minus strand). VCF-style: chr5-139121101-C-A. GRCh37 (hg19) VCF-style: chr5-138456790-C-A.
Other names: NP_071909.1:p.(Glu60Ter); c.178G>T, p.Glu60Ter (NM_001037633.2); short protein forms E60*.
Identifiers: ClinVar variation 4277231 (VCV004277231.2).